The following is an entry in ClinVar:

ClinVar aggregate classification (germline): Pathogenic (1 of 4 stars; one submission).

Conditions:
Compton-North congenital myopathy (CMYO12). Identifiers: Orphanet 210163, MedGen C2675527, MONDO:0012929, OMIM 612540.

Submission:

Labcorp Genetics (formerly Invitae), Labcorp
Classification: Pathogenic for Compton-North congenital myopathy. Last evaluated: 2023-10-03. Review status: criteria provided, single submitter. Criteria: Invitae Variant Classification Sherloc (09022015). Collection method: clinical testing. Allele origin: germline.
Comment: This sequence change creates a premature translational stop signal (p.Gln247*) in the CNTN1 gene. It is expected to result in an absent or disrupted protein product. Loss-of-function variants in CNTN1 are known to be pathogenic (PMID: 19026398, 22242131). This variant is not present in population databases (gnomAD no frequency). This variant has not been reported in the literature in individuals affected with CNTN1-related conditions. For these reasons, this variant has been classified as Pathogenic.

Literature cited by the submitters: PubMed 19026398; PubMed 22242131.

NM_001843.4(CNTN1):c.739C>T (p.Gln247Ter)

Gene: CNTN1 (contactin 1; plus strand). Cytogenetic location: 12q12.
Variant type: single nucleotide variant.
Coding change: c.739C>T on transcript NM_001843.4 (MANE Select); coding-DNA position 739, C replaced by T.
Protein change: p.Gln247Ter; replaces glutamine 247 with a stop codon.
Molecular consequence: nonsense.
Genome position (GRCh38, 1-based): chr12:40,933,496, C>T. VCF-style: chr12-40933496-C-T. GRCh37 (hg19) VCF-style: chr12-41327298-C-T.
Other names: c.739C>T, p.Gln247Ter (NM_001256063.2, NM_001256064.2); c.706C>T, p.Gln236Ter (NM_175038.2); short protein forms Q236*, Q247*.
Identifiers: ClinVar variation 2997007 (VCV002997007.3), dbSNP rs2499432719, ClinGen allele CA384422988.